The following is an entry in ClinVar:

ClinVar aggregate classification (germline): Pathogenic (1 of 4 stars; one submission).

Conditions:
Pheochromocytoma. Also called: MAX-Related Hereditary Paraganglioma-Pheochromocytoma Syndrome. Identifiers: Orphanet 29072, MedGen C0031511, MONDO:0008233, OMIM 171300, HP:0002666.
Pheochromocytoma/paraganglioma syndrome 4. Also called: CAROTID BODY TUMORS AND MULTIPLE EXTRAADRENAL PHEOCHROMOCYTOMAS; PARAGANGLIOMA, FAMILIAL MALIGNANT; PARAGANGLIOMAS, HEREDITARY EXTRAADRENAL; PHEOCHROMOCYTOMA, FAMILIAL EXTRAADRENAL; Paragangliomas 4; SDHB-Related Hereditary Paraganglioma-Pheochromocytoma Syndrome (Paragangliomas 4). Identifiers: Orphanet 29072, MedGen C1861848, MONDO:0007273, OMIM 115310.
Gastrointestinal stromal tumor. Also called: Gastrointestinal stromal tumor, somatic; Gastrointestinal stroma tumor. Identifiers: Orphanet 44890, MedGen C0238198, MeSH D046152, MONDO:0011719, OMIM 606764, HP:0100723.

Submission:

Labcorp Genetics (formerly Invitae), Labcorp
Classification: Pathogenic for Gastrointestinal stromal tumor; Pheochromocytoma/paraganglioma syndrome 4; Pheochromocytoma. Last evaluated: 2025-01-05. Review status: criteria provided, single submitter. Criteria: Invitae Variant Classification Sherloc (09022015). Collection method: clinical testing. Allele origin: germline.
Comment: This sequence change creates a premature translational stop signal (p.Glu165Alafs*9) in the SDHB gene. It is expected to result in an absent or disrupted protein product. Loss-of-function variants in SDHB are known to be pathogenic (PMID: 19454582, 19802898). This variant is not present in population databases (gnomAD no frequency). This premature translational stop signal has been observed in individual(s) with a family history of paraganglioma (PMID: 24102379). Algorithms developed to predict the effect of sequence changes on RNA splicing suggest that this variant may disrupt the consensus splice site. For these reasons, this variant has been classified as Pathogenic.

Literature cited by the submitters: PubMed 19454582; PubMed 19802898; PubMed 24102379.

NM_003000.3(SDHB):c.494_497del (p.Glu165fs)

Gene: SDHB (succinate dehydrogenase complex iron sulfur subunit B; minus strand). Cytogenetic location: 1p36.13.
Variant type: Deletion.
Coding change: c.494_497del on transcript NM_003000.3 (MANE Select); coding-DNA positions 494 to 497, 4 bases deleted (AAGG; older notation c.494_497delAAGG).
Protein change: p.Glu165fs; shifts the reading frame from glutamic acid 165.
Molecular consequence: frameshift variant.
Genome position (GRCh38, 1-based): chr1:17,027,792-17,027,795, CCTT deleted on the plus strand (AAGG on the coding strand, the reverse complement: SDHB is on the minus strand); deleting any 4 consecutive bases within chr1:17,027,792-17,027,798 gives the same sequence; the c. name uses the placement nearest the transcript's 3' end. VCF-style (leftmost placement, unchanged base first): chr1-17027791-GCCTT-G. GRCh37 (hg19) VCF-style: chr1-17354286-GCCTT-G.
Other names: c.440_443del, p.Glu147fs (NM_001407361.1); short protein forms E147fs, E165fs.
Identifiers: ClinVar variation 3759016 (VCV003759016.2).